The following is an entry in ClinVar:

NM_000051.4(ATM):c.8239A>T (p.Lys2747Ter)

Genes: ATM (ATM serine/threonine kinase; plus strand), C11orf65 (chromosome 11 open reading frame 65; minus strand). Cytogenetic location: 11q22.3.
Variant type: single nucleotide variant.
Coding change: c.8239A>T on transcript NM_000051.4 (MANE Select); coding-DNA position 8239, A replaced by T.
Protein change: p.Lys2747Ter; replaces lysine 2747 with a stop codon.
Molecular consequence: nonsense. On other transcripts: intron variant (2).
Genome position (GRCh38, 1-based): chr11:108,335,932, A>T. VCF-style: chr11-108335932-A-T. GRCh37 (hg19) VCF-style: chr11-108206659-A-T.
Other names: c.8239A>T, p.Lys2747Ter (NM_001351834.2); c.641-26861T>A (NM_001330368.2); c.695-640T>A (NM_001351110.2); short protein forms K2747*.
Identifiers: ClinVar variation 1070998 (VCV001070998.7), dbSNP rs2136698578, ClinGen allele CA382562644.

ClinVar aggregate classification (germline): Pathogenic (1 of 4 stars; one submission).

Conditions:
Ataxia-telangiectasia syndrome (AT). Also called: Ataxia telangiectasia (A-T); ATAXIA-TELANGIECTASIA, COMPLEMENTATION GROUP A; ATAXIA-TELANGIECTASIA, FRESNO VARIANT; Ataxia-telangiectasia; Ataxia-telangiectasia, complementation group E; LOUIS-BAR SYNDROME. Identifiers: Orphanet 100, MedGen C0004135, MONDO:0008840, OMIM 208900.

Submission:

Labcorp Genetics (formerly Invitae), Labcorp
Classification: Pathogenic for Ataxia-telangiectasia syndrome. Last evaluated: 2020-10-18. Review status: criteria provided, single submitter. Criteria: Invitae Variant Classification Sherloc (09022015). Collection method: clinical testing. Allele origin: germline.
Comment: This variant has not been reported in the literature in individuals with ATM-related conditions. This variant is not present in population databases (ExAC no frequency). This sequence change creates a premature translational stop signal (p.Lys2747*) in the ATM gene. It is expected to result in an absent or disrupted protein product. Loss-of-function variants in ATM are known to be pathogenic (PMID: 23807571, 25614872). Algorithms developed to predict the effect of sequence changes on RNA splicing suggest that this variant may create or strengthen a splice site, but this prediction has not been confirmed by published transcriptional studies. For these reasons, this variant has been classified as Pathogenic.

Literature cited by the submitters: PubMed 23807571; PubMed 25614872.